The following is an entry in ClinVar:

NM_005026.5(PIK3CD):c.2465C>T (p.Thr822Ile)

Gene: PIK3CD (phosphatidylinositol-4,5-bisphosphate 3-kinase catalytic subunit delta; plus strand). Cytogenetic location: 1p36.22.
Variant type: single nucleotide variant.
Coding change: c.2465C>T on transcript NM_005026.5 (MANE Select); coding-DNA position 2465, C replaced by T.
Protein change: p.Thr822Ile; replaces threonine 822 with isoleucine.
Molecular consequence: missense variant.
Genome position (GRCh38, 1-based): chr1:9,723,163, C>T. VCF-style: chr1-9723163-C-T. GRCh37 (hg19) VCF-style: chr1-9783221-C-T.
Other names: c.2462C>T, p.Thr821Ile (NM_001350234.2, NM_001439206.1); c.2378C>T, p.Thr793Ile (NM_001350235.1); c.2465C>T, p.Thr822Ile (NM_001437546.1); c.2321C>T, p.Thr774Ile (NM_001437547.1, NM_001438338.1); short protein forms T793I, T822I, T774I, T821I.
Identifiers: ClinVar variation 4753908 (VCV004753908.1).

ClinVar aggregate classification (germline): Uncertain significance (1 of 4 stars; one submission).

Conditions:
Immunodeficiency 14 (IMD14A). Also called: p110-DELTA-ACTIVATING MUTATION CAUSING SENESCENT T CELLS, LYMPHADENOPATHY, AND IMMUNODEFICIENCY; ACTIVATED PI3K-DELTA SYNDROME 1; Activated PI3K Delta Syndrome Type 1 (APDS1); IMMUNODEFICIENCY 14A WITH LYMPHOPROLIFERATION, AUTOSOMAL DOMINANT. Identifiers: Orphanet 397596, Orphanet 693661, MedGen C5907821, MONDO:0014222, OMIM 615513.

gnomAD v4.1: 18 of 1,613,678 alleles (0.0011%); highest among the groups gnomAD compares: African/African-American, 0.0013%; no homozygotes.

Submission:

Labcorp Genetics (formerly Invitae), Labcorp
Classification: Uncertain significance for Activated PI3K-delta syndrome. Last evaluated: 2026-01-02. Review status: criteria provided, single submitter. Criteria: Invitae Variant Classification Sherloc (09022015). Collection method: clinical testing. Allele origin: germline.
Comment: This sequence change replaces threonine, which is neutral and polar, with isoleucine, which is neutral and non-polar, at codon 822 of the PIK3CD protein (p.Thr822Ile). This variant is present in population databases (rs768587227, gnomAD 0.0009%). This variant has not been reported in the literature in individuals affected with PIK3CD-related conditions. Invitae Evidence Modeling of protein sequence and biophysical properties (such as structural, functional, and spatial information, amino acid conservation, physicochemical variation, residue mobility, and thermodynamic stability) indicates that this missense variant is not expected to disrupt PIK3CD protein function with a negative predictive value of 80%. In summary, the available evidence is currently insufficient to determine the role of this variant in disease. Therefore, it has been classified as a Variant of Uncertain Significance.